The following is an entry in ClinVar:

NM_000163.5(GHR):c.46A>C (p.Ser16Arg)

Gene: GHR (growth hormone receptor; plus strand). Cytogenetic location: 5p12.
Variant type: single nucleotide variant.
Coding change: c.46A>C on transcript NM_000163.5 (MANE Select); coding-DNA position 46, A replaced by C.
Protein change: p.Ser16Arg; replaces serine 16 with arginine.
Molecular consequence: missense variant.
Genome position (GRCh38, 1-based): chr5:42,565,920, A>C. VCF-style: chr5-42565920-A-C. GRCh37 (hg19) VCF-style: chr5-42566022-A-C.
Other names: c.67A>C, p.Ser23Arg (NM_001242399.2); c.46A>C, p.Ser16Arg (NM_001242400.2, NM_001242401.4, NM_001242402.2 and 6 more transcripts); short protein forms S16R, S23R.
Identifiers: ClinVar variation 2559778 (VCV002559778.3), dbSNP rs547124461, ClinGen allele CA3254286.
Genomic context (GRCh38, chr5:42,565,920, plus strand): 5'-GCAGGTCCTACAGGTATGGATCTCTGGCAGCTGCTGTTGACCTTGGCACTGGCAGGATCA[A>C]GTGATGCTTTTTCTGGAAGTGAGGGTGAGTTCTGCTTTTCCATTTCCACCCTCAGTGTTT-3'
Protein context (NP_000154.1, residues 6-26): LLLTLALAGS[Ser16Arg]DAFSGSEATA

ClinVar aggregate classification (germline): Uncertain significance. Review status: criteria provided, multiple submitters, no conflicts (2 of 4 stars). 2 submissions from 2 submitters: Uncertain significance (2). Last evaluated 2025-01-27.

Conditions:
Inborn genetic diseases. Identifiers: MedGen C0950123, MeSH D030342.

gnomAD v4.1: 3 of 1,614,126 alleles (0.00019%); highest among the groups gnomAD compares: Non-Finnish European, 0.00017%; no homozygotes.

Submissions (2):

Labcorp Genetics (formerly Invitae), Labcorp
Classification: Uncertain significance. Last evaluated: 2025-01-27. Review status: criteria provided, single submitter. Criteria: Invitae Variant Classification Sherloc (09022015). Collection method: clinical testing. Allele origin: germline.
Comment: This sequence change replaces serine, which is neutral and polar, with arginine, which is basic and polar, at codon 16 of the GHR protein (p.Ser16Arg). This variant is present in population databases (rs547124461, gnomAD 0.0009%). This variant has not been reported in the literature in individuals affected with GHR-related conditions. ClinVar contains an entry for this variant (Variation ID: 2559778). Invitae Evidence Modeling of protein sequence and biophysical properties (such as structural, functional, and spatial information, amino acid conservation, physicochemical variation, residue mobility, and thermodynamic stability) indicates that this missense variant is not expected to disrupt GHR protein function with a negative predictive value of 80%. In summary, the available evidence is currently insufficient to determine the role of this variant in disease. Therefore, it has been classified as a Variant of Uncertain Significance.

Ambry Genetics
Classification: Uncertain significance for Inborn genetic diseases. Last evaluated: 2023-06-12. Review status: criteria provided, single submitter. Criteria: Ambry Variant Classification Scheme 2023. Collection method: clinical testing. Allele origin: germline.